The following is an entry in ClinVar:

NM_000444.6(PHEX):c.436+3G>C

Gene: PHEX (phosphate regulating endopeptidase X-linked; plus strand). Cytogenetic location: Xp22.11.
Variant type: single nucleotide variant.
Coding change: c.436+3G>C on transcript NM_000444.6 (MANE Select); 3 bases into the intron after coding-DNA position 436, G replaced by C.
Molecular consequence: intron variant.
Genome position (GRCh38, 1-based): chrX:22,076,477, G>C. VCF-style: chrX-22076477-G-C. GRCh37 (hg19) VCF-style: chrX-22094595-G-C.
Other names: c.436+3G>C (NM_001282754.2).
Identifiers: ClinVar variation 1067657 (VCV001067657.7), dbSNP rs2147019311, ClinGen allele CA2499226563.
Genomic context (GRCh38, chrX:22,076,477, plus strand): 5'-CGGGACACCGAAGCCATACAGAAAGCCAAAATCCTTTATTCATCCTGCATGAATGAGAGT[G>C]AGTGATGAAGAAAACTAAATAAAATATTTACCATCCCTATCCTTTAGAGTTCTATTAATG-3'

ClinVar aggregate classification (germline): Likely pathogenic (1 of 4 stars; one submission).

Submission:

Labcorp Genetics (formerly Invitae), Labcorp
Classification: Likely pathogenic. Last evaluated: 2020-04-08. Review status: criteria provided, single submitter. Criteria: Invitae Variant Classification Sherloc (09022015). Collection method: clinical testing. Allele origin: germline.
Comment: This sequence change falls in intron 4 of the PHEX gene. It does not directly change the encoded amino acid sequence of the PHEX protein, but it affects a nucleotide within the consensus splice site of the intron. This variant is not present in population databases (ExAC no frequency). This variant has been observed in individual(s) with hypophosphatemic rickets (PMID: 21902834, Invitae). Nucleotide substitutions within the consensus splice site are a relatively common cause of aberrant splicing (PMID: 17576681, 9536098). Experimental studies have shown that this variant disrupts mRNA splicing (PMID: 31102713). In summary, the currently available evidence indicates that the variant is pathogenic, but additional data are needed to prove that conclusively. Therefore, this variant has been classified as Likely Pathogenic.

Literature cited by the submitters: PubMed 21902834; PubMed 17576681; PubMed 9536098; PubMed 31102713.